The following is an entry in ClinVar:

NM_001369.3(DNAH5):c.39C>T (p.Ser13=)

Gene: DNAH5 (dynein axonemal heavy chain 5; minus strand). Cytogenetic location: 5p15.2.
Variant type: single nucleotide variant.
Coding change: c.39C>T on transcript NM_001369.3 (MANE Select); coding-DNA position 39, C replaced by T.
Protein change: p.Ser13=; no amino-acid change (serine 13 retained).
Molecular consequence: synonymous variant.
Genome position (GRCh38, 1-based): chr5:13,944,400, G>A on the plus strand (C>T on the coding strand, the complement: DNAH5 is on the minus strand). VCF-style: chr5-13944400-G-A. GRCh37 (hg19) VCF-style: chr5-13944509-G-A.
Identifiers: ClinVar variation 699412 (VCV000699412.16), dbSNP rs370788337, ClinGen allele CA3205309.

ClinVar aggregate classification (germline): Likely benign. Review status: criteria provided, multiple submitters, no conflicts (2 of 4 stars). 4 submissions from 4 submitters: Likely benign (2). 2 of the submissions do not count toward it. Last evaluated 2025-11-23.

Conditions:
Primary ciliary dyskinesia. Also called: Ciliary dyskinesia. Identifiers: Orphanet 244, MedGen C0008780, MONDO:0016575, HP:0012265.
DNAH5-related disorder. Also called: DNAH5-related condition.

Allele frequency attached by ClinVar (database versions not stated): ExAC 0.00007; gnomAD exomes 0.00007; ESP Exome Variant Server 0.00008; gnomAD 0.00019 and 0.00021; 1000 Genomes Project 0.00020; TOPMed 0.00026; 1000 Genomes Project 30x 0.00031.
gnomAD v4.1: 64 of 1,613,752 alleles (0.004%); highest among the groups gnomAD compares: African/African-American, 0.067%; no homozygotes.

Submissions (4):

Labcorp Genetics (formerly Invitae), Labcorp
Classification: Likely benign for Primary ciliary dyskinesia. Last evaluated: 2025-11-23. Review status: criteria provided, single submitter. Criteria: Invitae Variant Classification Sherloc (09022015). Collection method: clinical testing. Allele origin: germline.

Ambry Genetics
Classification: Likely benign for Primary ciliary dyskinesia. Last evaluated: 2022-10-09. Review status: criteria provided, single submitter. Criteria: Ambry Variant Classification Scheme 2023. Collection method: clinical testing. Allele origin: germline.

Natera, Inc.
Classification: Uncertain significance for Primary ciliary dyskinesia. Last evaluated: 2020-01-24. Review status: no assertion criteria provided. Collection method: clinical testing. Allele origin: germline. Not counted in ClinVar's aggregate classification.

PreventionGenetics, part of Exact Sciences
Classification: Likely benign for DNAH5-related condition. Last evaluated: 2019-08-28. Review status: no assertion criteria provided. Collection method: clinical testing. Allele origin: germline. Not counted in ClinVar's aggregate classification.
Comment: This variant is classified as likely benign based on ACMG/AMP sequence variant interpretation guidelines (Richards et al. 2015 PMID: 25741868, with internal and published modifications).